The following is an entry in ClinVar:

ClinVar aggregate classification (germline): Uncertain significance. Review status: criteria provided, multiple submitters, no conflicts (2 of 4 stars). 3 submissions from 3 submitters: Uncertain significance (3). Last evaluated 2024-10-12.

Conditions:
Spastic paraplegia. Identifiers: MedGen C0037772, HP:0001258.
Inborn genetic diseases. Identifiers: MedGen C0950123, MeSH D030342.

Allele frequency attached by ClinVar (database versions not stated): ExAC 0.00001; gnomAD 0.00007.
gnomAD v4.1: 22 of 1,614,088 alleles (0.0014%); highest among the groups gnomAD compares: African/African-American, 0.027%; no homozygotes.

Submissions (3):

Ambry Genetics
Classification: Uncertain significance for Inborn genetic diseases. Last evaluated: 2024-10-12. Review status: criteria provided, single submitter. Criteria: Ambry Variant Classification Scheme 2023. Collection method: clinical testing. Allele origin: germline.

Labcorp Genetics (formerly Invitae), Labcorp
Classification: Uncertain significance for Spastic paraplegia. Last evaluated: 2022-08-07. Review status: criteria provided, single submitter. Criteria: Invitae Variant Classification Sherloc (09022015). Collection method: clinical testing. Allele origin: germline.
Comment: This sequence change replaces proline, which is neutral and non-polar, with leucine, which is neutral and non-polar, at codon 970 of the ZFYVE26 protein (p.Pro970Leu). This variant is present in population databases (rs769364228, gnomAD 0.02%). This variant has not been reported in the literature in individuals affected with ZFYVE26-related conditions. Algorithms developed to predict the effect of missense changes on protein structure and function are either unavailable or do not agree on the potential impact of this missense change (SIFT: "Tolerated"; PolyPhen-2: "Possibly Damaging"; Align-GVGD: "Class C0"). In summary, the available evidence is currently insufficient to determine the role of this variant in disease. Therefore, it has been classified as a Variant of Uncertain Significance.

GeneDx
Classification: Uncertain significance. Last evaluated: 2022-04-21. Review status: criteria provided, single submitter. Criteria: GeneDx Variant Classification Process June 2021. Collection method: clinical testing. Allele origin: germline. Affected: yes.
Comment: In silico analysis supports that this missense variant does not alter protein structure/function; Has not been previously published as pathogenic or benign to our knowledge

NM_015346.4(ZFYVE26):c.2909C>T (p.Pro970Leu)

Gene: ZFYVE26 (zinc finger FYVE-type containing 26; minus strand). Cytogenetic location: 14q24.1.
Variant type: single nucleotide variant.
Coding change: c.2909C>T on transcript NM_015346.4 (MANE Select); coding-DNA position 2909, C replaced by T.
Protein change: p.Pro970Leu; replaces proline 970 with leucine.
Molecular consequence: missense variant.
Genome position (GRCh38, 1-based): chr14:67,789,445, G>A on the plus strand (C>T on the coding strand, the complement: ZFYVE26 is on the minus strand). VCF-style: chr14-67789445-G-A. GRCh37 (hg19) VCF-style: chr14-68256162-G-A.
Other names: short protein forms P970L.
Identifiers: ClinVar variation 1712170 (VCV001712170.5), dbSNP rs769364228, ClinGen allele CA7240147.
Genomic context (GRCh38, chr14:67,789,445, plus strand): 5'-TGCTTGCAGGTTTTCCAGAGCTGGCACTGAGAGCAAGCTAGGTCAAATGCAGCCATGGCA[G>A]GGGGACTGAGGTCTTCCAGAACCTCTCTCAGGGGAGCAGTGGGCTCCACTAGAGCCGTGC-3'
Protein context (NP_056161.2, residues 960-980): LREVLEDLSP[Pro970Leu]AMAAFDLACS